The following is an entry in ClinVar:

NM_002474.3(MYH11):c.5562C>G (p.Ile1854Met)

Genes: MYH11 (myosin heavy chain 11; minus strand), NDE1 (nudE neurodevelopment protein 1; plus strand). Cytogenetic location: 16p13.11.
Variant type: single nucleotide variant.
Coding change: c.5562C>G on transcript NM_002474.3 (MANE Select); coding-DNA position 5562, C replaced by G.
Protein change: p.Ile1854Met; replaces isoleucine 1854 with methionine.
Molecular consequence: missense variant. On other transcripts: intron variant (2).
Genome position (GRCh38, 1-based): chr16:15,715,215, G>C on the plus strand (C>G on the coding strand, the complement: MYH11 is on the minus strand). VCF-style: chr16-15715215-G-C. GRCh37 (hg19) VCF-style: chr16-15809072-G-C.
Other names: c.5583C>G, p.Ile1861Met (NM_001040113.2, NM_001040114.2); c.5562C>G, p.Ile1854Met (NM_022844.3); c.948-8976G>C (NM_001143979.2, NM_017668.3); short protein forms I1854M, I1861M.
Identifiers: ClinVar variation 2672619 (VCV002672619.23), dbSNP rs371591343, ClinGen allele CA278593763.

ClinVar aggregate classification (germline): Uncertain significance (1 of 4 stars; one submission).

Allele frequency attached by ClinVar (database versions not stated): gnomAD exomes below 0.00001.
gnomAD v4.1: 4 of 1,614,154 alleles (0.00025%); highest among the groups gnomAD compares: African/African-American, 0.004%; no homozygotes.

Submission:

CeGaT Center for Human Genetics Tuebingen
Classification: Uncertain significance. Last evaluated: 2023-11-01. Review status: criteria provided, single submitter. Criteria: CeGaT Center For Human Genetics Tuebingen Variant Classification Criteria Version 2. Collection method: clinical testing. Allele origin: germline. Affected: yes. Observed: 1 variant allele.
Comment: MYH11: PM2, BP4